The following is an entry in ClinVar:

ClinVar aggregate classification (germline): Uncertain significance (1 of 4 stars; one submission).

Conditions:
Werner syndrome (WRN). Identifiers: Orphanet 902, MedGen C0043119, MONDO:0010196, OMIM 277700.

Allele frequency attached by ClinVar (database versions not stated): gnomAD exomes below 0.00001.
gnomAD v4.1: 4 of 1,610,834 alleles (0.00025%); highest among the groups gnomAD compares: Non-Finnish European, 0.00025%; no homozygotes.

Submission:

Labcorp Genetics (formerly Invitae), Labcorp
Classification: Uncertain significance for Werner syndrome. Last evaluated: 2023-07-07. Review status: criteria provided, single submitter. Criteria: Invitae Variant Classification Sherloc (09022015). Collection method: clinical testing. Allele origin: germline.
Comment: In summary, the available evidence is currently insufficient to determine the role of this variant in disease. Therefore, it has been classified as a Variant of Uncertain Significance. An algorithm developed to predict the effect of missense changes on protein structure and function (PolyPhen-2) suggests that this variant is likely to be disruptive. This variant has not been reported in the literature in individuals affected with WRN-related conditions. This variant is not present in population databases (gnomAD no frequency). This sequence change replaces aspartic acid, which is acidic and polar, with glycine, which is neutral and non-polar, at codon 68 of the WRN protein (p.Asp68Gly).

NM_000553.6(WRN):c.203A>G (p.Asp68Gly)

Gene: WRN (WRN RecQ like helicase; plus strand). Cytogenetic location: 8p12.
Variant type: single nucleotide variant.
Coding change: c.203A>G on transcript NM_000553.6 (MANE Select); coding-DNA position 203, A replaced by G.
Protein change: p.Asp68Gly; replaces aspartic acid 68 with glycine.
Molecular consequence: missense variant.
Genome position (GRCh38, 1-based): chr8:31,059,259, A>G. VCF-style: chr8-31059259-A-G. GRCh37 (hg19) VCF-style: chr8-30916775-A-G.
Other names: short protein forms D68G.
Identifiers: ClinVar variation 2736554 (VCV002736554.3), dbSNP rs2487270177, ClinGen allele CA370912744.
Genomic context (GRCh38, chr8:31,059,259, plus strand): 5'-AATTCACTGGATCCATTGTGTATAGTTACGATGCTAGTGATTGCTCTTTCCTGTCAGAAG[A>G]TATTAGGTAAGTGATTTGAATTTCCTGATTTTATTTGAATTTGGACCCTTAGAAGGTACT-3'
Protein context (NP_000544.2, residues 58-78): DASDCSFLSE[Asp68Gly]ISMSLSDGDV